The following is an entry in ClinVar:

NM_032199.3(ARID5B):c.3084C>T (p.Ala1028=)

Gene: ARID5B (AT-rich interaction domain 5B; plus strand). Cytogenetic location: 10q21.2.
Variant type: single nucleotide variant.
Coding change: c.3084C>T on transcript NM_032199.3 (MANE Select); coding-DNA position 3084, C replaced by T.
Protein change: p.Ala1028=; no amino-acid change (alanine 1028 retained).
Molecular consequence: synonymous variant.
Genome position (GRCh38, 1-based): chr10:62,092,547, C>T. VCF-style: chr10-62092547-C-T. GRCh37 (hg19) VCF-style: chr10-63852306-C-T.
Other names: c.2355C>T, p.Ala785= (NM_001244638.2).
Identifiers: ClinVar variation 3031676 (VCV003031676.2), dbSNP rs935409875, ClinGen allele CA208350122.

ClinVar aggregate classification (germline): Likely benign (0 of 4 stars; one submission).

Conditions:
ARID5B-related disorder. Also called: ARID5B-related condition.

Allele frequency attached by ClinVar (database versions not stated): gnomAD exomes below 0.00001; TOPMed 0.00002; gnomAD 0.00004.
gnomAD v4.1: 11 of 1,614,178 alleles (0.00068%); highest among the groups gnomAD compares: Middle Eastern, 0.033%; no homozygotes.

Submission:

PreventionGenetics, part of Exact Sciences
Classification: Likely benign for ARID5B-related condition. Last evaluated: 2021-01-05. Review status: no assertion criteria provided. Collection method: clinical testing. Allele origin: germline.
Comment: This variant is classified as likely benign based on ACMG/AMP sequence variant interpretation guidelines (Richards et al. 2015 PMID: 25741868, with internal and published modifications).